The following is an entry in ClinVar:

ClinVar aggregate classification (germline): Likely benign. Review status: criteria provided, single submitter (1 of 4 stars). 2 submissions from 2 submitters: Likely benign (1). 1 of the submissions does not count toward it. Last evaluated 2026-01-31.

Conditions:
CIB1-related disorder. Also called: CIB1-related condition.

Allele frequency attached by ClinVar (database versions not stated): 1000 Genomes Project 0.00020; 1000 Genomes Project 30x 0.00031; ESP Exome Variant Server 0.00062; gnomAD 0.00074 and 0.00078; gnomAD exomes 0.00078 and 0.00117; ExAC 0.00080; TOPMed 0.00080.
gnomAD v4.1: 1,802 of 1,604,570 alleles (0.11%); highest among the groups gnomAD compares: Non-Finnish European, 0.14%; no homozygotes.

Submissions (2):

Labcorp Genetics (formerly Invitae), Labcorp
Classification: Likely benign. Last evaluated: 2026-01-31. Review status: criteria provided, single submitter. Criteria: Invitae Variant Classification Sherloc (09022015). Collection method: clinical testing. Allele origin: germline.

PreventionGenetics, part of Exact Sciences
Classification: Likely benign for CIB1-related condition. Last evaluated: 2019-07-15. Review status: no assertion criteria provided. Collection method: clinical testing. Allele origin: germline. Not counted in ClinVar's aggregate classification.
Comment: This variant is classified as likely benign based on ACMG/AMP sequence variant interpretation guidelines (Richards et al. 2015 PMID: 25741868, with internal and published modifications).

NM_006384.4(CIB1):c.195+8C>T

Gene: CIB1 (calcium and integrin binding 1; minus strand). Cytogenetic location: 15q26.1.
Variant type: single nucleotide variant.
Coding change: c.195+8C>T on transcript NM_006384.4 (MANE Select); 8 bases into the intron after coding-DNA position 195, C replaced by T.
Molecular consequence: intron variant.
Genome position (GRCh38, 1-based): chr15:90,232,211, G>A on the plus strand (C>T on the coding strand, the complement: CIB1 is on the minus strand). VCF-style: chr15-90232211-G-A. GRCh37 (hg19) VCF-style: chr15-90775443-G-A.
Other names: c.315+8C>T (NM_001277764.2, NM_001277764.1).
Identifiers: ClinVar variation 1157486 (VCV001157486.11), dbSNP rs200574955, ClinGen allele CA7734290.
Genomic context (GRCh38, chr15:90,232,211, plus strand): 5'-GATGGAGTTAGGGGGTCTAGCAGGGAGGGAGTGGTGGGAGAGGTGTCAAAGGAGGGGAGC[G>A]CTTGCACCTTGAGCTCTGGAAGGCTGAGAATCTGCTCGAAGGGCACTTGTGCCCGAAGTG-3'